The following is an entry in ClinVar:

NM_014847.4(UBAP2L):c.3160G>T (p.Asp1054Tyr)

Gene: UBAP2L (ubiquitin associated protein 2 like; plus strand). Cytogenetic location: 1q21.3.
Variant type: single nucleotide variant.
Coding change: c.3160G>T on transcript NM_014847.4 (MANE Select); coding-DNA position 3160, G replaced by T.
Protein change: p.Asp1054Tyr; replaces aspartic acid 1054 with tyrosine.
Molecular consequence: missense variant.
Genome position (GRCh38, 1-based): chr1:154,268,946, G>T. VCF-style: chr1-154268946-G-T. GRCh37 (hg19) VCF-style: chr1-154241422-G-T.
Other names: c.3190G>T, p.Asp1064Tyr (NM_001287816.1, NM_001375617.1); c.3193G>T, p.Asp1065Tyr (NM_001330730.1, NM_001375612.1, NM_001375625.1); c.3160G>T, p.Asp1054Tyr (NM_001375614.1, NM_001375618.1, NM_001375619.1 and 3 more transcripts); c.3157G>T, p.Asp1053Tyr (NM_001375615.1, NM_001375616.1, NM_001375620.1 and 4 more transcripts); short protein forms D1053Y, D1054Y, D1064Y, D1065Y.
Identifiers: ClinVar variation 3893591 (VCV003893591.1).
Genomic context (GRCh38, chr1:154,268,946, plus strand): 5'-CACATTCTGACCCCCCATCAGCAGCCGCATTCTCAGATCCTTCACCATCACCTGCAGCAG[G>T]ATGGCCAGGTAATAGCCCTTCCCCTTCTCTCCTTTCCCTTCCTCTTCCTTCCTATCCCTT-3'
Protein context (NP_055662.3, residues 1044-1064): SQILHHHLQQ[Asp1054Tyr]GQTGSGQRSQ

ClinVar aggregate classification (germline): Uncertain significance (1 of 4 stars; one submission).

Submission:

GeneDx
Classification: Uncertain significance. Last evaluated: 2024-10-28. Review status: criteria provided, single submitter. Criteria: GeneDx Variant Classification Process June 2021. Collection method: clinical testing. Allele origin: germline. Affected: yes.
Comment: Not observed at significant frequency in large population cohorts (gnomAD); In silico analysis supports that this missense variant has a deleterious effect on protein structure/function; Has not been previously published as pathogenic or benign to our knowledge